The following is an entry in ClinVar:

NM_024009.3(GJB3):c.241C>G (p.Leu81Val)

Gene: GJB3 (gap junction protein beta 3; plus strand). Cytogenetic location: 1p34.3.
Variant type: single nucleotide variant.
Coding change: c.241C>G on transcript NM_024009.3 (MANE Select); coding-DNA position 241, C replaced by G.
Protein change: p.Leu81Val; replaces leucine 81 with valine.
Molecular consequence: missense variant.
Genome position (GRCh38, 1-based): chr1:34,785,003, C>G. VCF-style: chr1-34785003-C-G. GRCh37 (hg19) VCF-style: chr1-35250604-C-G.
Other names: c.241C>G, p.Leu81Val (NM_001005752.2); short protein forms L81V.
Identifiers: ClinVar variation 2096975 (VCV002096975.4), dbSNP rs2521971141, ClinGen allele CA339312433.

ClinVar aggregate classification (germline): Uncertain significance (1 of 4 stars; one submission).

Submission:

Labcorp Genetics (formerly Invitae), Labcorp
Classification: Uncertain significance. Last evaluated: 2022-03-17. Review status: criteria provided, single submitter. Criteria: Invitae Variant Classification Sherloc (09022015). Collection method: clinical testing. Allele origin: germline.
Comment: This sequence change replaces leucine, which is neutral and non-polar, with valine, which is neutral and non-polar, at codon 81 of the GJB3 protein (p.Leu81Val). In summary, the available evidence is currently insufficient to determine the role of this variant in disease. Therefore, it has been classified as a Variant of Uncertain Significance. Algorithms developed to predict the effect of missense changes on protein structure and function (SIFT, PolyPhen-2, Align-GVGD) all suggest that this variant is likely to be disruptive. This variant has not been reported in the literature in individuals affected with GJB3-related conditions. This variant is not present in population databases (gnomAD no frequency).